The following is an entry in ClinVar:

NM_000478.6(ALPL):c.891C>G (p.Tyr297Ter)

Gene: ALPL (alkaline phosphatase, biomineralization associated; plus strand). Cytogenetic location: 1p36.12.
Variant type: single nucleotide variant.
Coding change: c.891C>G on transcript NM_000478.6 (MANE Select); coding-DNA position 891, C replaced by G.
Protein change: p.Tyr297Ter; replaces tyrosine 297 with a stop codon.
Molecular consequence: nonsense.
Genome position (GRCh38, 1-based): chr1:21,573,693, C>G. VCF-style: chr1-21573693-C-G. GRCh37 (hg19) VCF-style: chr1-21900186-C-G.
Other names: c.726C>G, p.Tyr242Ter (NM_001127501.4); c.660C>G, p.Tyr220Ter (NM_001177520.3); c.891C>G, p.Tyr297Ter (NM_001369803.2, NM_001369804.2, NM_001369805.2); short protein forms Y220*, Y242*, Y297*.
Identifiers: ClinVar variation 2881811 (VCV002881811.3), dbSNP rs755529290, ClinGen allele CA338880224.

ClinVar aggregate classification (germline): Pathogenic (1 of 4 stars; one submission).

Submission:

Labcorp Genetics (formerly Invitae), Labcorp
Classification: Pathogenic. Last evaluated: 2023-12-18. Review status: criteria provided, single submitter. Criteria: Invitae Variant Classification Sherloc (09022015). Collection method: clinical testing. Allele origin: germline.
Comment: This sequence change creates a premature translational stop signal (p.Tyr297*) in the ALPL gene. It is expected to result in an absent or disrupted protein product. Loss-of-function variants in ALPL are known to be pathogenic (PMID: 3174660, 10679946, 32973344, 33814268). This variant is not present in population databases (gnomAD no frequency). This variant has not been reported in the literature in individuals affected with ALPL-related conditions. For these reasons, this variant has been classified as Pathogenic.

Literature cited by the submitters: PubMed 3174660; PubMed 10679946; PubMed 32973344; PubMed 33814268.